The following is an entry in ClinVar:

NM_001039591.3(USP9X):c.323G>C (p.Gly108Ala)

Gene: USP9X (ubiquitin specific peptidase 9 X-linked; plus strand). Cytogenetic location: Xp11.4.
Variant type: single nucleotide variant.
Coding change: c.323G>C on transcript NM_001039591.3 (MANE Select); coding-DNA position 323, G replaced by C.
Protein change: p.Gly108Ala; replaces glycine 108 with alanine.
Molecular consequence: missense variant.
Genome position (GRCh38, 1-based): chrX:41,134,725, G>C. VCF-style: chrX-41134725-G-C. GRCh37 (hg19) VCF-style: chrX-40993978-G-C.
Other names: c.323G>C, p.Gly108Ala (NM_001039590.3, NM_001410748.1, NM_001410749.1); short protein forms G108A.
Identifiers: ClinVar variation 3656939 (VCV003656939.2).

ClinVar aggregate classification (germline): Uncertain significance (1 of 4 stars; one submission).

gnomAD v4.1: 1 of 1,201,105 alleles (0.000083%); no homozygotes.

Submission:

Labcorp Genetics (formerly Invitae), Labcorp
Classification: Uncertain significance. Last evaluated: 2024-06-18. Review status: criteria provided, single submitter. Criteria: Invitae Variant Classification Sherloc (09022015). Collection method: clinical testing. Allele origin: germline.
Comment: This sequence change replaces glycine, which is neutral and non-polar, with alanine, which is neutral and non-polar, at codon 108 of the USP9X protein (p.Gly108Ala). This variant is not present in population databases (gnomAD no frequency). This variant has not been reported in the literature in individuals affected with USP9X-related conditions. An algorithm developed to predict the effect of missense changes on protein structure and function (PolyPhen-2) suggests that this variant is likely to be disruptive. In summary, the available evidence is currently insufficient to determine the role of this variant in disease. Therefore, it has been classified as a Variant of Uncertain Significance.